The following is an entry in ClinVar:

NM_015294.6(TRIM37):c.2385A>G (p.Glu795=)

Gene: TRIM37 (tripartite motif containing 37; minus strand). Cytogenetic location: 17q22.
Variant type: single nucleotide variant.
Coding change: c.2385A>G on transcript NM_015294.6 (MANE Select); coding-DNA position 2385, A replaced by G.
Protein change: p.Glu795=; no amino-acid change (glutamic acid 795 retained).
Molecular consequence: synonymous variant. On other transcripts: non-coding transcript variant (2).
Genome position (GRCh38, 1-based): chr17:59,017,297, T>C on the plus strand (A>G on the coding strand, the complement: TRIM37 is on the minus strand). VCF-style: chr17-59017297-T-C. GRCh37 (hg19) VCF-style: chr17-57094658-T-C.
Other names: c.2385A>G, p.Glu795= (NM_001005207.5, NM_001320988.3, NM_001320989.3 and 1 more transcripts); c.2283A>G, p.Glu761= (NM_001320987.3, NM_001353082.2); c.2019A>G, p.Glu673= (NM_001320990.3); c.1650A>G, p.Glu550= (NM_001353083.2); c.1923A>G, p.Glu641= (NM_001353085.2); c.2334A>G, p.Glu778= (NM_001353086.2).
Identifiers: ClinVar variation 2146490 (VCV002146490.2), dbSNP rs560577613, ClinGen allele CA8678070.

ClinVar aggregate classification (germline): Uncertain significance (1 of 4 stars; one submission).

Allele frequency attached by ClinVar (database versions not stated): gnomAD 0.00001; TOPMed 0.00002; gnomAD exomes 0.00007; 1000 Genomes Project 30x 0.00016; ExAC 0.00019; 1000 Genomes Project 0.00020.
gnomAD v4.1: 101 of 1,614,110 alleles (0.0063%); highest among the groups gnomAD compares: South Asian, 0.1%; no homozygotes.

Submission:

Labcorp Genetics (formerly Invitae), Labcorp
Classification: Uncertain significance. Last evaluated: 2024-10-23. Review status: criteria provided, single submitter. Criteria: Invitae Variant Classification Sherloc (09022015). Collection method: clinical testing. Allele origin: germline.
Comment: This sequence change affects codon 795 of the TRIM37 mRNA. It is a 'silent' change, meaning that it does not change the encoded amino acid sequence of the TRIM37 protein. It affects a nucleotide within the consensus splice site. This variant is present in population databases (rs560577613, gnomAD 0.1%). This variant has not been reported in the literature in individuals affected with TRIM37-related conditions. ClinVar contains an entry for this variant (Variation ID: 2146490). Algorithms developed to predict the effect of sequence changes on RNA splicing suggest that this variant may disrupt the consensus splice site. In summary, the available evidence is currently insufficient to determine the role of this variant in disease. Therefore, it has been classified as a Variant of Uncertain Significance.